The following is an entry in ClinVar:

NM_000391.4(TPP1):c.1076-2A>G

Gene: TPP1 (tripeptidyl peptidase 1; minus strand). Cytogenetic location: 11p15.4.
Variant type: single nucleotide variant.
Coding change: c.1076-2A>G on transcript NM_000391.4 (MANE Select); the canonical splice acceptor site of the intron before coding-DNA position 1076, A replaced by G.
Molecular consequence: splice acceptor variant.
Genome position (GRCh38, 1-based): chr11:6,616,076, T>C on the plus strand (A>G on the coding strand, the complement: TPP1 is on the minus strand). VCF-style: chr11-6616076-T-C. GRCh37 (hg19) VCF-style: chr11-6637307-T-C.
Identifiers: ClinVar variation 552401 (VCV000552401.13), dbSNP rs1424116749, ClinGen allele CA379473919.

ClinVar aggregate classification (germline): Pathogenic/Likely pathogenic. Review status: criteria provided, multiple submitters, no conflicts (2 of 4 stars). 5 submissions from 5 submitters: Pathogenic (2); Likely pathogenic (2). 1 of the submissions does not count toward it. Last evaluated 2024-05-03.

Conditions:
TPP1-related disorder. Also called: TPP1-related condition.
Neuronal ceroid lipofuscinosis. Also called: Neuronal Ceroid Lipofuscinoses. Identifiers: Orphanet 216, Orphanet 79263, MedGen C0027877, MONDO:0016295. Disease mechanism: loss of function.
Neuronal ceroid lipofuscinosis 2. Also called: TPP1-Related Neuronal Ceroid-Lipofuscinosis; JANSKY-BIELSCHOWSKY DISEASE NEURONAL CEROID LIPOFUSCINOSIS, LATE INFANTILE. Identifiers: Orphanet 168491, Orphanet 228349, Orphanet 79264, MedGen C1876161, MONDO:0008769, OMIM 204500.

Allele frequency attached by ClinVar (database versions not stated): gnomAD exomes 0.00001; TOPMed 0.00001.
gnomAD v4.1: 9 of 1,614,178 alleles (0.00056%); highest among the groups gnomAD compares: African/African-American, 0.0013%; no homozygotes.

Submissions (5):

Natera, Inc.
Classification: Pathogenic for Neuronal ceroid lipofuscinosis 2. Last evaluated: 2024-05-03. Review status: criteria provided, single submitter. Criteria: Natera Variant Classification Schema (03/2026). Collection method: clinical testing. Allele origin: germline.
Comment: The c.1076-2A>G variant in TPP1 is a canonical splice acceptor site variant predicted to affect pre-mRNA splicing, which may result in an abnormal transcript and altered protein product. This variant is expected to result in nonsense mediated decay, truncation, or a dysfunctional protein product. This variant is rare in the general population with a frequency below the threshold expected for the associated phenotype(s). This variant has been observed in one or more individuals affected with the associated recessive disease, as either homozygous or compound heterozygous with a second variant (PMID: 33604240). Given the available evidence, this variant is classified as Pathogenic.

Labcorp Genetics (formerly Invitae), Labcorp
Classification: Pathogenic. Last evaluated: 2024-01-08. Review status: criteria provided, single submitter. Criteria: Invitae Variant Classification Sherloc (09022015). Collection method: clinical testing. Allele origin: germline.
Comment: This sequence change affects an acceptor splice site in intron 8 of the TPP1 gene. It is expected to disrupt RNA splicing. Variants that disrupt the donor or acceptor splice site typically lead to a loss of protein function (PMID: 16199547), and loss-of-function variants in TPP1 are known to be pathogenic (PMID: 10330339). This variant is not present in population databases (gnomAD no frequency). Disruption of this splice site has been observed in individuals with clinical features of neuronal ceroid lipofuscinosis (PMID: 12125808, 31283065, 33604240). This variant is also known as IVS8-2A>G. ClinVar contains an entry for this variant (Variation ID: 552401). Algorithms developed to predict the effect of sequence changes on RNA splicing suggest that this variant may disrupt the consensus splice site. For these reasons, this variant has been classified as Pathogenic.

Women's Health and Genetics/Laboratory Corporation of America, LabCorp
Classification: Likely pathogenic for Neuronal ceroid lipofuscinosis. Last evaluated: 2023-04-26. Review status: criteria provided, single submitter. Criteria: LabCorp Variant Classification Summary - May 2015. Collection method: clinical testing. Allele origin: germline.
Comment: Variant summary: TPP1 c.1076-2A>G is located in a canonical splice-site and is predicted to affect mRNA splicing resulting in a significantly altered protein due to either exon skipping, shortening, or inclusion of intronic material. Several computational tools predict a significant impact on normal splicing: four predict the variant abolishes a 3' acceptor site, and two predict the variant creates a 3' acceptor site seven nucleotides downstream, potentially leading to a frameshift. However, these predictions have yet to be confirmed by functional studies. The variant was absent in 251442 control chromosomes. c.1076-2A>G has been reported in the literature in at least two compound heterozygous individuals affected with Neuronal Ceroid-Lipofuscinosis (Batten Disease) (e.g., Espitia-Segura_2021, Mole_2001). These data indicate that the variant may be associated with disease. To our knowledge, no experimental evidence demonstrating an impact on protein function has been reported. The following publications have been ascertained in the context of this evaluation (PMID: 33604240, 11589012). Two clinical diagnostic laboratories have submitted clinical-significance assessments for this variant to ClinVar after 2014, and both laboratories classified the variant as likely pathogenic. Based on the evidence outlined above, the variant was classified as likely pathogenic.

Blueprint Genetics
Classification: Likely pathogenic for TPP1-related disorders. Last evaluated: 2022-06-07. Review status: criteria provided, single submitter. Criteria: ACMG Guidelines, 2015. Collection method: clinical testing. Allele origin: germline. Affected: yes. Observed: 3 variant alleles.

Counsyl
Classification: Likely pathogenic for Neuronal ceroid lipofuscinosis 2. Last evaluated: 2017-06-19. Review status: no assertion criteria provided. Collection method: clinical testing. Allele origin: unknown. Not counted in ClinVar's aggregate classification.

Literature cited by the submitters: PubMed 33604240 (cited by 3 submitters); PubMed 16199547 (cited by Labcorp Genetics (formerly Invitae), Labcorp); PubMed 10330339 (cited by Labcorp Genetics (formerly Invitae), Labcorp); PubMed 12125808 (cited by Labcorp Genetics (formerly Invitae), Labcorp); PubMed 31283065 (cited by Labcorp Genetics (formerly Invitae), Labcorp); PubMed 11589012 (cited by Women's Health and Genetics/Laboratory Corporation of America, LabCorp); PubMed 25525159 (cited by Counsyl).